The following is an entry in ClinVar:

ClinVar aggregate classification (germline): Uncertain significance (1 of 4 stars; one submission).

Submission:

Labcorp Genetics (formerly Invitae), Labcorp
Classification: Uncertain significance. Last evaluated: 2025-10-26. Review status: criteria provided, single submitter. Criteria: Invitae Variant Classification Sherloc (09022015). Collection method: clinical testing. Allele origin: germline.
Comment: This sequence change replaces serine, which is neutral and polar, with cysteine, which is neutral and slightly polar, at codon 356 of the TAOK2 protein (p.Ser356Cys). This variant is not present in population databases (gnomAD no frequency). This variant has not been reported in the literature in individuals affected with TAOK2-related conditions. An algorithm developed to predict the effect of missense changes on protein structure and function (PolyPhen-2) suggests that this variant is likely to be disruptive. In summary, the available evidence is currently insufficient to determine the role of this variant in disease. Therefore, it has been classified as a Variant of Uncertain Significance.

NM_016151.4(TAOK2):c.1066A>T (p.Ser356Cys)

Gene: TAOK2 (TAO kinase 2; plus strand). Cytogenetic location: 16p11.2.
Variant type: single nucleotide variant.
Coding change: c.1066A>T on transcript NM_016151.4 (MANE Select); coding-DNA position 1066, A replaced by T.
Protein change: p.Ser356Cys; replaces serine 356 with cysteine.
Molecular consequence: missense variant.
Genome position (GRCh38, 1-based): chr16:29,983,138, A>T. VCF-style: chr16-29983138-A-T. GRCh37 (hg19) VCF-style: chr16-29994459-A-T.
Other names: c.1066A>T, p.Ser356Cys (NM_001252043.2, NM_004783.4); short protein forms S356C.
Identifiers: ClinVar variation 4729952 (VCV004729952.1).
Genomic context (GRCh38, chr16:29,983,138, plus strand): 5'-GAGCCCTACATGCACCGGGCCGGGACTCTGACCAGCCTCGAGAGTAGCCACTCAGTGCCC[A>T]GCATGTCCATCAGCGCCTCCAGCCAGAGCAGCTCCGTCAACAGCCTAGCAGATGCCTCAG-3'
Protein context (NP_057235.2, residues 346-366): TSLESSHSVP[Ser356Cys]MSISASSQSS